The following is an entry in ClinVar:

ClinVar aggregate classification (germline): Uncertain significance (1 of 4 stars; one submission).

Conditions:
NCOA1-related disorder. Also called: NCOA1-related condition.

Submission:

PreventionGenetics, part of Exact Sciences
Classification: Uncertain significance for NCOA1-related condition. Last evaluated: 2025-09-09. Review status: criteria provided, single submitter. Criteria: ACMG Guidelines, 2015. Collection method: clinical testing. Allele origin: germline.
Comment: The NCOA1 c.3833A>G variant is predicted to result in the amino acid substitution p.Gln1278Arg. To our knowledge, this variant has not been reported in the literature or in a large population database (gnomAD), indicating this variant is rare. At this time, the clinical significance of this variant is uncertain due to the absence of conclusive functional and genetic evidence.

NM_003743.5(NCOA1):c.3833A>G (p.Gln1278Arg)

Gene: NCOA1 (nuclear receptor coactivator 1; plus strand). Cytogenetic location: 2p23.3.
Variant type: single nucleotide variant.
Coding change: c.3833A>G on transcript NM_003743.5 (MANE Select); coding-DNA position 3833, A replaced by G.
Protein change: p.Gln1278Arg; replaces glutamine 1278 with arginine.
Molecular consequence: missense variant.
Genome position (GRCh38, 1-based): chr2:24,752,108, A>G. VCF-style: chr2-24752108-A-G. GRCh37 (hg19) VCF-style: chr2-24974977-A-G.
Other names: c.3833A>G, p.Gln1278Arg (NM_001362950.1, NM_001362952.1, NM_001362954.1 and 3 more transcripts); short protein forms Q1278R.
Identifiers: ClinVar variation 4993438 (VCV004993438.1).